The following is an entry in ClinVar:

ClinVar aggregate classification (germline): Uncertain significance (1 of 4 stars; one submission).

Conditions:
SLC16A12-related disorder. Also called: SLC16A12-related condition.

gnomAD v4.1: 2 of 1,614,166 alleles (0.00012%); highest among the groups gnomAD compares: Non-Finnish European, 0.000085%; no homozygotes.

Submission:

PreventionGenetics, part of Exact Sciences
Classification: Uncertain significance for SLC16A12-related condition. Last evaluated: 2024-11-08. Review status: criteria provided, single submitter. Criteria: ACMG Guidelines, 2015. Collection method: clinical testing. Allele origin: germline.
Comment: The SLC16A12 c.1498C>T variant is predicted to result in premature protein termination (p.Gln500*). This variant occurs within the terminal exon of the gene and removes the last 16 amino acids of the coding region. To our knowledge, this variant has not been reported in the literature or in a large population database (gnomAD), indicating this variant is rare. At this time, the clinical significance of this variant is uncertain due to the absence of conclusive functional and genetic evidence.

NM_213606.4(SLC16A12):c.1498C>T (p.Gln500Ter)

Gene: SLC16A12 (solute carrier family 16 member 12; minus strand). Cytogenetic location: 10q23.31.
Variant type: single nucleotide variant.
Coding change: c.1498C>T on transcript NM_213606.4 (MANE Select); coding-DNA position 1498, C replaced by T.
Protein change: p.Gln500Ter; replaces glutamine 500 with a stop codon.
Molecular consequence: nonsense.
Genome position (GRCh38, 1-based): chr10:89,433,117, G>A on the plus strand (C>T on the coding strand, the complement: SLC16A12 is on the minus strand). VCF-style: chr10-89433117-G-A. GRCh37 (hg19) VCF-style: chr10-91192874-G-A.
Other names: short protein forms Q500*.
Identifiers: ClinVar variation 4999857 (VCV004999857.1).
Genomic context (GRCh38, chr10:89,433,117, plus strand): 5'-CCTTTGGTCATGTGAGGCTGTAGCCAGGCACTGCTGTAGCCACAGGCTCCCCATGTTTCT[G>A]ATCTAATTCTCTTGCCACAGAATAAGCCACTGATCCATTGGTCCATAGCTGCAGCTTAGG-3'